The following is an entry in ClinVar:

ClinVar aggregate classification (germline): Conflicting classifications of pathogenicity. Review status: criteria provided, conflicting classifications (1 of 4 stars). 8 submissions from 8 submitters: Uncertain significance (5); Likely benign (2). 1 of the submissions does not count toward it. Last evaluated 2025-12-11.

Conditions:
Hereditary cancer-predisposing syndrome. Also called: Tumor predisposition; Neoplastic Syndromes, Hereditary; Hereditary Cancer Syndrome; Hereditary neoplastic syndrome. Identifiers: Orphanet 140162, MedGen C0027672, MeSH D009386, MONDO:0015356.
Familial cancer of breast. Also called: hereditary breast carcinoma; Hereditary breast cancer; BREAST CANCER, FAMILIAL. Identifiers: Orphanet 227535, MedGen C0346153, MONDO:0016419, OMIM 114480. Disease mechanism: loss of function.
Ataxia-telangiectasia syndrome (AT). Also called: Ataxia telangiectasia (A-T); Cerebello-oculocutaneous telangiectasia; Immunodeficiency with ataxia telangiectasia; ATAXIA-TELANGIECTASIA, COMPLEMENTATION GROUP A; ATAXIA-TELANGIECTASIA, FRESNO VARIANT; Ataxia-telangiectasia. Identifiers: Orphanet 100, MedGen C0004135, MONDO:0008840, OMIM 208900.

gnomAD v4.1: 9 of 1,603,644 alleles (0.00056%); highest among the groups gnomAD compares: Middle Eastern, 0.033%; no homozygotes.

Submissions (8):

Ambry Genetics
Classification: Likely benign for Hereditary cancer-predisposing syndrome. Last evaluated: 2025-12-11. Review status: criteria provided, single submitter. Criteria: Ambry Variant Classification Scheme 2023. Collection method: clinical testing. Allele origin: germline.

Labcorp Genetics (formerly Invitae), Labcorp
Classification: Uncertain significance for Ataxia-telangiectasia syndrome. Last evaluated: 2025-12-08. Review status: criteria provided, single submitter. Criteria: Invitae Variant Classification Sherloc (09022015). Collection method: clinical testing. Allele origin: germline.
Comment: This sequence change replaces isoleucine, which is neutral and non-polar, with methionine, which is neutral and non-polar, at codon 709 of the ATM protein (p.Ile709Met). This variant is not present in population databases (gnomAD no frequency). This variant has not been reported in the literature in individuals affected with ATM-related conditions. ClinVar contains an entry for this variant (Variation ID: 220354). An algorithm developed to predict the effect of missense changes on protein structure and function (PolyPhen-2) suggests that this variant is likely to be tolerated. In summary, the available evidence is currently insufficient to determine the role of this variant in disease. Therefore, it has been classified as a Variant of Uncertain Significance.

Center for Genomic Medicine, Rigshospitalet, Copenhagen University Hospital
Classification: Uncertain significance. Last evaluated: 2025-03-04. Review status: criteria provided, single submitter. Criteria: ACMG Guidelines, 2015. Collection method: clinical testing. Allele origin: germline.

Color Diagnostics, LLC DBA Color Health
Classification: Likely benign for Hereditary cancer-predisposing syndrome. Last evaluated: 2024-09-18. Review status: criteria provided, single submitter. Criteria: ACMG Guidelines, 2015. Collection method: clinical testing. Allele origin: germline.

Fulgent Genetics
Classification: Uncertain significance for Familial cancer of breast; Ataxia-telangiectasia syndrome. Last evaluated: 2024-02-05. Review status: criteria provided, single submitter. Criteria: ACMG Guidelines, 2015. Collection method: clinical testing. Allele origin: germline.

GeneDx
Classification: Uncertain significance. Last evaluated: 2022-04-19. Review status: criteria provided, single submitter. Criteria: GeneDx Variant Classification Process June 2021. Collection method: clinical testing. Allele origin: germline. Affected: yes.
Comment: Not observed at significant frequency in large population cohorts (gnomAD); In silico analysis supports that this missense variant does not alter protein structure/function; Observed in an individual with breast cancer (Hauke 2018); This variant is associated with the following publications: (PMID: 29522266)

Blueprint Genetics
Classification: Uncertain significance. Last evaluated: 2018-03-27. Review status: criteria provided, single submitter. Criteria: ACMG Guidelines, 2015. Collection method: clinical testing. Allele origin: germline.

Natera, Inc.
Classification: Uncertain significance for Ataxia-telangiectasia. Last evaluated: 2020-04-03. Review status: no assertion criteria provided. Collection method: clinical testing. Allele origin: germline. Not counted in ClinVar's aggregate classification.

Literature cited by the submitters: PubMed 40580951 (cited by Ambry Genetics); PubMed 37450374 (cited by Center for Genomic Medicine, Rigshospitalet, Copenhagen University Hospital).

NM_000051.4(ATM):c.2127T>G (p.Ile709Met)

Gene: ATM (ATM serine/threonine kinase; plus strand). Cytogenetic location: 11q22.3.
Variant type: single nucleotide variant.
Coding change: c.2127T>G on transcript NM_000051.4 (MANE Select); coding-DNA position 2127, T replaced by G.
Protein change: p.Ile709Met; replaces isoleucine 709 with methionine.
Molecular consequence: missense variant.
Genome position (GRCh38, 1-based): chr11:108,256,217, T>G. VCF-style: chr11-108256217-T-G. GRCh37 (hg19) VCF-style: chr11-108126944-T-G.
Other names: c.2127T>G, p.Ile709Met (NM_001351834.2); short protein forms I709M.
Identifiers: ClinVar variation 220354 (VCV000220354.26), dbSNP rs56252953, ClinGen allele CA350788.